The following is an entry in ClinVar:

NM_006420.3(ARFGEF2):c.2814+15G>C

Gene: ARFGEF2 (ARF guanine nucleotide exchange factor 2; plus strand). Cytogenetic location: 20q13.13.
Variant type: single nucleotide variant.
Coding change: c.2814+15G>C on transcript NM_006420.3 (MANE Select); 15 bases into the intron after coding-DNA position 2814, G replaced by C.
Molecular consequence: intron variant.
Genome position (GRCh38, 1-based): chr20:48,989,699, G>C. VCF-style: chr20-48989699-G-C. GRCh37 (hg19) VCF-style: chr20-47606236-G-C.
Identifiers: ClinVar variation 210233 (VCV000210233.14), dbSNP rs370805254, ClinGen allele CA206823.

ClinVar aggregate classification (germline): Conflicting classifications of pathogenicity. Review status: criteria provided, conflicting classifications (1 of 4 stars). 3 submissions from 3 submitters: Uncertain significance (1); Likely benign (2). Last evaluated 2025-11-05.

Allele frequency attached by ClinVar (database versions not stated): gnomAD exomes 0.00023 and 0.00026; gnomAD 0.00025 and 0.00027; TOPMed 0.00026; ExAC 0.00029; ESP Exome Variant Server 0.00038.
gnomAD v4.1: 394 of 1,614,000 alleles (0.024%); highest among the groups gnomAD compares: Middle Eastern, 0.18%; no homozygotes.

Submissions (3):

Labcorp Genetics (formerly Invitae), Labcorp
Classification: Likely benign. Last evaluated: 2025-11-05. Review status: criteria provided, single submitter. Criteria: Invitae Variant Classification Sherloc (09022015). Collection method: clinical testing. Allele origin: germline.

GeneDx
Classification: Likely benign. Last evaluated: 2018-02-15. Review status: criteria provided, single submitter. Criteria: GeneDx Variant Classification (06012015). Collection method: clinical testing. Allele origin: germline. Affected: yes.
Comment: This variant is considered likely benign or benign based on one or more of the following criteria: it is a conservative change, it occurs at a poorly conserved position in the protein, it is predicted to be benign by multiple in silico algorithms, and/or has population frequency not consistent with disease.

Genetic Services Laboratory, University of Chicago
Classification: Uncertain significance. Last evaluated: 2013-01-25. Review status: criteria provided, single submitter. Criteria: ACMG Guidelines, 2007. Collection method: clinical testing. Allele origin: germline.